The following is an entry in ClinVar:

NM_018194.6(HHAT):c.145G>A (p.Gly49Arg)

Gene: HHAT (hedgehog acyltransferase; plus strand). Cytogenetic location: 1q32.2.
Variant type: single nucleotide variant.
Coding change: c.145G>A on transcript NM_018194.6 (MANE Select); coding-DNA position 145, G replaced by A.
Protein change: p.Gly49Arg; replaces glycine 49 with arginine.
Molecular consequence: missense variant.
Genome position (GRCh38, 1-based): chr1:210,362,905, G>A. VCF-style: chr1-210362905-G-A. GRCh37 (hg19) VCF-style: chr1-210536249-G-A.
Other names: c.145G>A, p.Gly49Arg (NM_001122834.4, NM_001170564.3, NM_001170580.3 and 1 more transcripts); c.148G>A, p.Gly50Arg (NM_001170587.3); short protein forms G49R, G50R.
Identifiers: ClinVar variation 1497649 (VCV001497649.6), dbSNP rs141591165, ClinGen allele CA1379015.

ClinVar aggregate classification (germline): Uncertain significance (1 of 4 stars; one submission).

Allele frequency attached by ClinVar (database versions not stated): ESP Exome Variant Server 0.00023; gnomAD 0.00048; TOPMed 0.00049; gnomAD exomes 0.00067 and 0.00070; ExAC 0.00087.
gnomAD v4.1: 1,086 of 1,612,592 alleles (0.067%); highest among the groups gnomAD compares: Middle Eastern, 0.16%; 2 homozygotes.

Submission:

Labcorp Genetics (formerly Invitae), Labcorp
Classification: Uncertain significance. Last evaluated: 2025-02-20. Review status: criteria provided, single submitter. Criteria: Invitae Variant Classification Sherloc (09022015). Collection method: clinical testing. Allele origin: germline.
Comment: This sequence change replaces glycine, which is neutral and non-polar, with arginine, which is basic and polar, at codon 49 of the HHAT protein (p.Gly49Arg). This variant is present in population databases (rs141591165, gnomAD 0.1%), and has an allele count higher than expected for a pathogenic variant. This variant has not been reported in the literature in individuals affected with HHAT-related conditions. ClinVar contains an entry for this variant (Variation ID: 1497649). Invitae Evidence Modeling of protein sequence and biophysical properties (such as structural, functional, and spatial information, amino acid conservation, physicochemical variation, residue mobility, and thermodynamic stability) indicates that this missense variant is not expected to disrupt HHAT protein function with a negative predictive value of 80%. In summary, the available evidence is currently insufficient to determine the role of this variant in disease. Therefore, it has been classified as a Variant of Uncertain Significance.